The following is an entry in ClinVar:

ClinVar aggregate classification (germline): Uncertain significance. Review status: criteria provided, multiple submitters, no conflicts (2 of 4 stars). 3 submissions from 3 submitters: Uncertain significance (3). Last evaluated 2025-08-03.

Conditions:
TNFAIP3-related disorder. Also called: TNFAIP3-related condition.
Inborn genetic diseases. Identifiers: MedGen C0950123, MeSH D030342.

Allele frequency attached by ClinVar (database versions not stated): gnomAD exomes below 0.00001.
gnomAD v4.1: 3 of 1,607,980 alleles (0.00019%); highest among the groups gnomAD compares: Non-Finnish European, 0.00025%; no homozygotes.

Submissions (3):

Labcorp Genetics (formerly Invitae), Labcorp
Classification: Uncertain significance. Last evaluated: 2025-08-03. Review status: criteria provided, single submitter. Criteria: Invitae Variant Classification Sherloc (09022015). Collection method: clinical testing. Allele origin: germline.
Comment: This sequence change replaces arginine, which is basic and polar, with cysteine, which is neutral and slightly polar, at codon 761 of the TNFAIP3 protein (p.Arg761Cys). This variant is not present in population databases (gnomAD no frequency). This variant has not been reported in the literature in individuals affected with TNFAIP3-related conditions. This missense change has been observed in at least one individual who was not affected with TNFAIP3-related conditions (internal data). ClinVar contains an entry for this variant (Variation ID: 2420666). An algorithm developed to predict the effect of missense changes on protein structure and function (PolyPhen-2) suggests that this variant is likely to be tolerated. In summary, the available evidence is currently insufficient to determine the role of this variant in disease. Therefore, it has been classified as a Variant of Uncertain Significance.

Ambry Genetics
Classification: Uncertain significance for Inborn genetic diseases. Last evaluated: 2024-08-06. Review status: criteria provided, single submitter. Criteria: Ambry Variant Classification Scheme 2023. Collection method: clinical testing. Allele origin: germline.

PreventionGenetics, part of Exact Sciences
Classification: Uncertain significance for TNFAIP3-related condition. Last evaluated: 2022-12-01. Review status: criteria provided, single submitter. Criteria: ACMG Guidelines, 2015. Collection method: clinical testing. Allele origin: germline.
Comment: The TNFAIP3 c.2281C>T variant is predicted to result in the amino acid substitution p.Arg761Cys. To our knowledge, this variant has not been reported in the literature or in a large population database, indicating this variant is rare. At this time, the clinical significance of this variant is uncertain due to the absence of conclusive functional and genetic evidence.

NM_001270508.2(TNFAIP3):c.2281C>T (p.Arg761Cys)

Gene: TNFAIP3 (TNF alpha induced protein 3; plus strand). Cytogenetic location: 6q23.3.
Variant type: single nucleotide variant.
Coding change: c.2281C>T on transcript NM_001270508.2 (MANE Select); coding-DNA position 2281, C replaced by T.
Protein change: p.Arg761Cys; replaces arginine 761 with cysteine.
Molecular consequence: missense variant.
Genome position (GRCh38, 1-based): chr6:137,881,227, C>T. VCF-style: chr6-137881227-C-T. GRCh37 (hg19) VCF-style: chr6-138202364-C-T.
Other names: c.2281C>T (NM_006290.3, NM_006290.2); c.2281C>T, p.Arg761Cys (NM_001270507.2, NM_006290.4); short protein forms R761C.
Identifiers: ClinVar variation 2420666 (VCV002420666.8), dbSNP rs2114517667, ClinGen allele CA365797954.